The following is an entry in ClinVar:

NM_182961.4(SYNE1):c.15198C>T (p.Thr5066=)

Gene: SYNE1 (spectrin repeat containing nuclear envelope protein 1; minus strand). Cytogenetic location: 6q25.2.
Variant type: single nucleotide variant.
Coding change: c.15198C>T on transcript NM_182961.4 (MANE Select); coding-DNA position 15198, C replaced by T.
Protein change: p.Thr5066=; no amino-acid change (threonine 5066 retained).
Molecular consequence: synonymous variant.
Genome position (GRCh38, 1-based): chr6:152,326,391, G>A on the plus strand (C>T on the coding strand, the complement: SYNE1 is on the minus strand). VCF-style: chr6-152326391-G-A. GRCh37 (hg19) VCF-style: chr6-152647526-G-A.
Other names: c.14985C>T, p.Thr4995= (NM_033071.5).
Identifiers: ClinVar variation 355868 (VCV000355868.9), dbSNP rs370314344, ClinGen allele CA4055863.

ClinVar aggregate classification (germline): Conflicting classifications of pathogenicity. Review status: criteria provided, conflicting classifications (1 of 4 stars). 3 submissions from 2 submitters: Uncertain significance (1); Benign (1); Likely benign (1). Last evaluated 2024-04-08.

Conditions:
Autosomal recessive ataxia, Beauce type. Also called: SYNE1 Deficiency; SYNE1-Related Autosomal Recessive Cerebellar Ataxia; Spinocerebellar ataxia, autosomal recessive 8; ATAXIA, RECESSIVE, OF BEAUCE. Identifiers: Orphanet 88644, MedGen C1853116, MONDO:0012549, OMIM 610743.
Emery-Dreifuss muscular dystrophy 4, autosomal dominant (EDMD4). Also called: EMERY-DREIFUSS MUSCULAR DYSTROPHY 4 WITH VARIABLE FEATURES. Identifiers: Orphanet 261, MedGen C2751807, MONDO:0013071, OMIM 612998.

Allele frequency attached by ClinVar (database versions not stated): gnomAD 0.00001; gnomAD exomes 0.00002; ExAC 0.00003; TOPMed 0.00006; ESP Exome Variant Server 0.00008.
gnomAD v4.1: 45 of 1,614,038 alleles (0.0028%); highest among the groups gnomAD compares: Admixed American, 0.0067%; no homozygotes.

Submissions (3):

Labcorp Genetics (formerly Invitae), Labcorp
Classification: Likely benign for Emery-Dreifuss muscular dystrophy 4, autosomal dominant; Autosomal recessive ataxia, Beauce type. Last evaluated: 2024-04-08. Review status: criteria provided, single submitter. Criteria: Invitae Variant Classification Sherloc (09022015). Collection method: clinical testing. Allele origin: germline.

Illumina Laboratory Services, Illumina
Classification: Uncertain significance for Autosomal recessive ataxia, Beauce type. Last evaluated: 2018-01-13. Review status: criteria provided, single submitter. Criteria: ICSL Variant Classification Criteria 13 December 2019. Collection method: clinical testing. Allele origin: germline.

Illumina Laboratory Services, Illumina
Classification: Benign for Emery-Dreifuss muscular dystrophy 4, autosomal dominant. Last evaluated: 2018-01-13. Review status: criteria provided, single submitter. Criteria: ICSL Variant Classification Criteria 13 December 2019. Collection method: clinical testing. Allele origin: germline.
Comment: This variant was observed in the ICSL laboratory as part of a predisposition screen in an ostensibly healthy population. It had not been previously curated by ICSL or reported in the Human Gene Mutation Database (HGMD: prior to June 1st, 2018), and was therefore a candidate for classification through an automated scoring system. Utilizing variant allele frequency, disease prevalence and penetrance estimates, and inheritance mode, an automated score was calculated to assess if this variant is too frequent to cause the disease. Based on the score and internal cut-off values, a variant classified as benign is not then subjected to further curation. The score for this variant resulted in a classification of benign for this disease.